The following is an entry in ClinVar:

NM_001276345.2(TNNT2):c.573G>T (p.Met191Ile)

Gene: TNNT2 (troponin T2, cardiac type; minus strand). Cytogenetic location: 1q32.1.
Variant type: single nucleotide variant.
Coding change: c.573G>T on transcript NM_001276345.2 (MANE Select); coding-DNA position 573, G replaced by T.
Protein change: p.Met191Ile; replaces methionine 191 with isoleucine.
Molecular consequence: missense variant.
Genome position (GRCh38, 1-based): chr1:201,363,323, C>A on the plus strand (G>T on the coding strand, the complement: TNNT2 is on the minus strand). VCF-style: chr1-201363323-C-A. GRCh37 (hg19) VCF-style: chr1-201332451-C-A.
Other names: c.573G>T, p.Met191Ile (NM_000364.4); c.543G>T, p.Met181Ile (NM_001001430.3, NM_001001431.3, NM_001276347.2); c.528G>T, p.Met176Ile (NM_001001432.3); c.453G>T, p.Met151Ile (NM_001276346.2); short protein forms M181I, M191I, M176I, M151I.
Identifiers: ClinVar variation 229337 (VCV000229337.7), dbSNP rs876658028, ClinGen allele CA10576371.

ClinVar aggregate classification (germline): Uncertain significance. Review status: criteria provided, multiple submitters, no conflicts (2 of 4 stars). 2 submissions from 2 submitters: Uncertain significance (2). Last evaluated 2024-05-22.

Conditions:
Hypertrophic cardiomyopathy 2. Also called: TNNT2-Related Familial Hypertrophic Cardiomyopathy. Identifiers: MedGen C1861864, MONDO:0007266, OMIM 115195.
Dilated cardiomyopathy 1D. Identifiers: Orphanet 154, Orphanet 54260, MedGen C1832243, MONDO:0011095, OMIM 601494.
Cardiomyopathy, familial restrictive, 3. Identifiers: Orphanet 75249, MedGen C2676271, MONDO:0012900, OMIM 612422.

Submissions (2):

Labcorp Genetics (formerly Invitae), Labcorp
Classification: Uncertain significance for Cardiomyopathy, familial restrictive, 3; Hypertrophic cardiomyopathy 2; Dilated cardiomyopathy 1D. Last evaluated: 2024-05-22. Review status: criteria provided, single submitter. Criteria: Invitae Variant Classification Sherloc (09022015). Collection method: clinical testing. Allele origin: germline.
Comment: This sequence change replaces methionine, which is neutral and non-polar, with isoleucine, which is neutral and non-polar, at codon 181 of the TNNT2 protein (p.Met181Ile). This variant is not present in population databases (gnomAD no frequency). This variant has not been reported in the literature in individuals affected with TNNT2-related conditions. ClinVar contains an entry for this variant (Variation ID: 229337). Advanced modeling of protein sequence and biophysical properties (such as structural, functional, and spatial information, amino acid conservation, physicochemical variation, residue mobility, and thermodynamic stability) performed at Invitae indicates that this missense variant is expected to disrupt TNNT2 protein function with a positive predictive value of 95%. In summary, the available evidence is currently insufficient to determine the role of this variant in disease. Therefore, it has been classified as a Variant of Uncertain Significance.

Laboratory for Molecular Medicine, Mass General Brigham Personalized Medicine
Classification: Uncertain significance. Last evaluated: 2015-02-16. Review status: criteria provided, single submitter. Criteria: LMM Criteria. Collection method: clinical testing. Allele origin: germline. Observed: 1 variant allele.
Comment: Variant classified as Uncertain Significance - Favor Pathogenic. The p.Met181Ile variant in TNNT2 has not been previously reported in individuals with cardiomyo pathy and was absent from large population studies. This variant was predicted t o be pathogenic using a computational tool clinically validated by our laborator y. This tool's pathogenic prediction is estimated to be correct 94% of the time (Jordan 2011). In summary, while there is some suspicion for a pathogenic role, the clinical significance of the p.Met181Ile variant is uncertain.